The following is an entry in ClinVar:

ClinVar aggregate classification (germline): Likely benign. Review status: criteria provided, multiple submitters, no conflicts (2 of 4 stars). 5 submissions from 5 submitters: Likely benign (2). 3 of the submissions do not count toward it. Last evaluated 2025-08-01.

Conditions:
Pseudohypoparathyroidism type 1C (PHP1C). Also called: PSEUDOHYPOPARATHYROIDISM, TYPE IC; PHP IC; Pseudohypoparathyroidism Ic (PHP-Ic). Identifiers: Orphanet 79444, MedGen C2932716, MONDO:0012911, OMIM 612462.
Progressive osseous heteroplasia (POH). Also called: Osseus Heteroplasia, Progressive; ECTOPIC OSSIFICATION, FAMILIAL; Osteoma cutis; Progressive Osseus Heteroplasia (POH). Identifiers: Orphanet 2762, MedGen C0334041, MONDO:0008153, OMIM 166350, HP:0025027.
Pseudohypoparathyroidism type 1B (PHP1B). Also called: PHP IB; Pseudohypoparathyroidism Type IB; Pseudohypoparathyroidism Ib (PHP-Ib). Identifiers: Orphanet 94089, MedGen C1864100, MONDO:0011301, OMIM 603233.
Pituitary adenoma 3, multiple types. Also called: PITUITARY ADENOMA 3, ACTH-SECRETING, SOMATIC; PITUITARY ADENOMA 3, GROWTH HORMONE-SECRETING, SOMATIC. Identifiers: MedGen C4540135, MONDO:0054665, OMIM 617686.
McCune-Albright syndrome (MAS). Also called: ALBRIGHT SYNDROME; Albright's Syndrome; Albright's disease; Fibrous Dysplasia / McCune-Albright Syndrome; McCune-Albright syndrome, somatic, mosaic. Identifiers: Orphanet 562, MedGen C0242292, MONDO:0018919, OMIM 174800.
Pseudopseudohypoparathyroidism (PPHP). Also called: ALBRIGHT HEREDITARY OSTEODYSTROPHY WITHOUT MULTIPLE HORMONE RESISTANCE; Pseudopseudohypoparathyroidism (PPHP). Identifiers: Orphanet 79445, MedGen C0033835, MONDO:0012912, OMIM 612463.
ACTH-independent macronodular adrenal hyperplasia 1 (AIMAH1). Also called: ACTH-INDEPENDENT MACRONODULAR ADRENOCORTICAL HYPERPLASIA; CUSHING SYNDROME, ADRENAL, DUE TO AIMAH; ADRENOCORTICOTROPIC HORMONE-INDEPENDENT MACRONODULAR ADRENAL HYPERPLASIA; ACTH-independent macronodular adrenal hyperplasia, somatic; CORTICOTROPIN-INDEPENDENT MACRONODULAR ADRENAL HYPERPLASIA. Identifiers: MedGen C1857451, MONDO:0020735, OMIM 219080.
Pseudohypoparathyroidism type I A (PHP1A). Also called: Pseudohypoparathyroidism Type IA; ALBRIGHT HEREDITARY OSTEODYSTROPHY WITH MULTIPLE HORMONE RESISTANCE; PHP IA; Pseudohypoparathyroidism type 1A; Pseudohypoparathyroidism Ia (PHP-Ia). Identifiers: Orphanet 79443, MedGen C3494506, MONDO:0007078, OMIM 103580.

Allele frequency attached by ClinVar (database versions not stated): TOPMed 0.00005; gnomAD 0.00013; 1000 Genomes Project 30x 0.00047; 1000 Genomes Project 0.00060; ExAC 0.00416.
gnomAD v4.1: 509 of 1,529,040 alleles (0.033%); highest among the groups gnomAD compares: South Asian, 0.58%; 5 homozygotes.

Submissions (5):

CeGaT Center for Human Genetics Tuebingen
Classification: Likely benign. Last evaluated: 2025-08-01. Review status: criteria provided, single submitter. Criteria: CeGaT Center For Human Genetics Tuebingen Variant Classification Criteria Version 2. Collection method: clinical testing. Allele origin: germline. Affected: yes. Observed: 2 variant alleles.
Comment: GNAS: BP4, BS1

Fulgent Genetics
Classification: Likely benign for Pseudohypoparathyroidism type I A; Progressive osseous heteroplasia; McCune-Albright syndrome; ACTH-independent macronodular adrenal hyperplasia 1; Pseudohypoparathyroidism type 1B; Pseudohypoparathyroidism type 1C; Pseudopseudohypoparathyroidism; Pituitary adenoma 3, multiple types. Last evaluated: 2021-11-27. Review status: criteria provided, single submitter. Criteria: ACMG Guidelines, 2015. Collection method: clinical testing. Allele origin: unknown.

Clinical Genetics DNA and cytogenetics Diagnostics Lab, Erasmus MC, Erasmus Medical Center
Classification: Likely benign. Review status: no assertion criteria provided. Collection method: clinical testing. Allele origin: germline. Affected: yes. Study: VKGL Data-share Consensus. Not counted in ClinVar's aggregate classification.

Clinical Genetics, Academic Medical Center
Classification: Likely benign. Review status: no assertion criteria provided. Collection method: clinical testing. Allele origin: germline. Affected: yes. Study: VKGL Data-share Consensus. Not counted in ClinVar's aggregate classification.

Laboratory of Diagnostic Genome Analysis, Leiden University Medical Center (LUMC)
Classification: Likely benign. Review status: no assertion criteria provided. Collection method: clinical testing. Allele origin: germline. Affected: yes. Study: VKGL Data-share Consensus. Not counted in ClinVar's aggregate classification.

NM_080425.4(GNAS):c.1428C>G (p.Ala476=)

Gene: GNAS (GNAS complex locus; plus strand). Cytogenetic location: 20q13.32.
Variant type: single nucleotide variant.
Coding change: c.1428C>G on transcript NM_080425.4 (MANE Plus Clinical); coding-DNA position 1428, C replaced by G.
Protein change: p.Ala476=; no amino-acid change (alanine 476 retained).
Molecular consequence: synonymous variant. On other transcripts: missense variant (2), intron variant (3).
Genome position (GRCh38, 1-based): chr20:58,854,693, C>G. VCF-style: chr20-58854693-C-G. GRCh37 (hg19) VCF-style: chr20-57429748-C-G.
Other names: c.1241C>G, p.Pro414Arg (NM_001077490.3, NM_001309883.1); c.1428C>G, p.Ala476= (NM_001410913.1); c.*42+13807C>G (NM_016592.5); c.43+13807C>G (NM_001410912.1); c.-39+12818C>G (NM_001309861.2); short protein forms P414R.
Identifiers: ClinVar variation 1205936 (VCV001205936.29), dbSNP rs559714658, ClinGen allele CA9926685.